The following is an entry in ClinVar:

NM_014762.4(DHCR24):c.736C>T (p.Arg246Trp)

Gene: DHCR24 (24-dehydrocholesterol reductase; minus strand). Cytogenetic location: 1p32.3.
Variant type: single nucleotide variant.
Coding change: c.736C>T on transcript NM_014762.4 (MANE Select); coding-DNA position 736, C replaced by T.
Protein change: p.Arg246Trp; replaces arginine 246 with tryptophan.
Molecular consequence: missense variant.
Genome position (GRCh38, 1-based): chr1:54,871,490, G>A on the plus strand (C>T on the coding strand, the complement: DHCR24 is on the minus strand). VCF-style: chr1-54871490-G-A. GRCh37 (hg19) VCF-style: chr1-55337163-G-A.
Other names: short protein forms R246W.
Identifiers: ClinVar variation 2416375 (VCV002416375.3), dbSNP rs150166147, ClinGen allele CA870738.

ClinVar aggregate classification (germline): Uncertain significance (1 of 4 stars; one submission).

Allele frequency attached by ClinVar (database versions not stated): ExAC 0.00002; TOPMed 0.00003; gnomAD 0.00004; ESP Exome Variant Server 0.00008.
gnomAD v4.1: 92 of 1,614,108 alleles (0.0057%); highest among the groups gnomAD compares: Non-Finnish European, 0.0065%; no homozygotes.

Submission:

Labcorp Genetics (formerly Invitae), Labcorp
Classification: Uncertain significance. Last evaluated: 2022-04-23. Review status: criteria provided, single submitter. Criteria: Invitae Variant Classification Sherloc (09022015). Collection method: clinical testing. Allele origin: germline.
Comment: This sequence change replaces arginine, which is basic and polar, with tryptophan, which is neutral and slightly polar, at codon 246 of the DHCR24 protein (p.Arg246Trp). This variant is present in population databases (rs150166147, gnomAD 0.005%). This variant has not been reported in the literature in individuals affected with DHCR24-related conditions. Algorithms developed to predict the effect of missense changes on protein structure and function output the following: SIFT: "Deleterious"; PolyPhen-2: "Possibly Damaging"; Align-GVGD: "Class C15". The tryptophan amino acid residue is found in multiple mammalian species, which suggests that this missense change does not adversely affect protein function. In summary, the available evidence is currently insufficient to determine the role of this variant in disease. Therefore, it has been classified as a Variant of Uncertain Significance.